The following is an entry in ClinVar:

ClinVar aggregate classification (germline): Likely benign (1 of 4 stars; one submission).

gnomAD v4.1: 437 of 1,605,588 alleles (0.027%); highest among the groups gnomAD compares: African/African-American, 0.45%; 3 homozygotes.

Submission:

CeGaT Center for Human Genetics Tuebingen
Classification: Likely benign. Last evaluated: 2025-10-01. Review status: criteria provided, single submitter. Criteria: CeGaT Center For Human Genetics Tuebingen Variant Classification Criteria Version 2. Collection method: clinical testing. Allele origin: germline. Affected: yes. Observed: 1 variant allele.
Comment: PRB2: BP4, BP7

NM_006248.4(PRB2):c.1077C>T (p.Ala359=)

Gene: PRB2 (proline rich protein BstNI subfamily 2). Cytogenetic location: 12p13.2.
Variant type: single nucleotide variant.
Coding change: c.1077C>T on transcript NM_006248.4 (MANE Select); coding-DNA position 1077, C replaced by T.
Protein change: p.Ala359=; no amino-acid change (alanine 359 retained).
Molecular consequence: synonymous variant.
Genome position (GRCh38, 1-based): chr12:11,393,001, G>A on the plus strand (C>T on the coding strand, the complement: PRB2 is on the minus strand). VCF-style: chr12-11393001-G-A. GRCh37 (hg19) VCF-style: chr12-11545935-G-A.
Identifiers: ClinVar variation 4533526 (VCV004533526.6).